The following is an entry in ClinVar:

ClinVar aggregate classification (germline): Uncertain significance (1 of 4 stars; one submission).

Conditions:
Idiopathic generalized epilepsy. Also called: EIG; Generalised epilepsy. Identifiers: MedGen C0270850, MONDO:0005579, OMIM 600669.
Hyperaldosteronism, familial, type IV (HALD4). Also called: FH IV; ALDOSTERONISM, PRIMARY, AND HYPERTENSION. Identifiers: Orphanet 642671, MedGen C4310756, MONDO:0014875, OMIM 617027.

Submission:

Labcorp Genetics (formerly Invitae), Labcorp
Classification: Uncertain significance for Idiopathic generalized epilepsy; Hyperaldosteronism, familial, type IV. Last evaluated: 2021-04-22. Review status: criteria provided, single submitter. Criteria: Invitae Variant Classification Sherloc (09022015). Collection method: clinical testing. Allele origin: germline.
Comment: In summary, the available evidence is currently insufficient to determine the role of this variant in disease. Therefore, it has been classified as a Variant of Uncertain Significance. Experimental studies and prediction algorithms are not available or were not evaluated, and the effect of this variant on mRNA splicing is currently unknown. This variant has not been reported in the literature in individuals with CACNA1H-related conditions. This variant is also known as c.2790-24_2790-2del. This variant is not present in population databases (ExAC no frequency). This sequence change falls in intron 12 of the CACNA1H gene. It does not directly change the encoded amino acid sequence of the CACNA1H protein.

NM_021098.3(CACNA1H):c.2790-24_2790-2del

Gene: CACNA1H (calcium voltage-gated channel subunit alpha1 H; plus strand). Cytogenetic location: 16p13.3.
Variant type: Deletion.
Coding change: c.2790-24_2790-2del on transcript NM_021098.3 (MANE Select); 24 bases into the intron before coding-DNA position 2790 through the canonical splice acceptor site of the intron before coding-DNA position 2790, 23 bases deleted (ACACGCCCCTGCCCCCACCCTCA).
Molecular consequence: splice acceptor variant.
Genome position (GRCh38, 1-based): chr16:1,206,977-1,206,999, ACACGCCCCTGCCCCCACCCTCA deleted; deleting any 23 consecutive bases within chr16:1,206,968-1,206,999 gives the same sequence; the c. name uses the placement nearest the transcript's 3' end. VCF-style (leftmost placement, unchanged base first): chr16-1206967-TCCACCCTCAACACGCCCCTGCCC-T. GRCh37 (hg19) VCF-style: chr16-1256967-TCCACCCTCAACACGCCCCTGCCC-T.
Other names: c.2790-24_2790-2del (NM_001005407.2).
Identifiers: ClinVar variation 1345241 (VCV001345241.8), dbSNP rs767709133, ClinGen allele CA2573151370.
Genomic context (GRCh38, chr16:1,206,967, plus strand): 5'-CCTCCCTCCTCCCACCCCCCTCCCGCTCCCCCACCTTCTTCCGCTCAGCACACCCCTGCC[TCCACCCTCAACACGCCCCTGCCC>T]CCACCCTCAGCATCCTGGGCATGCACCTTTTCGGCTGCAAGTTCAGCCTGAAGACAGACA-3'